The following is an entry in ClinVar:

ClinVar aggregate classification (germline): Uncertain significance. Review status: criteria provided, multiple submitters, no conflicts (2 of 4 stars). 2 submissions from 2 submitters: Uncertain significance (2). Last evaluated 2025-07-02.

Conditions:
PDSS2-related disorder. Also called: PDSS2-related condition.

Allele frequency attached by ClinVar (database versions not stated): gnomAD exomes below 0.00001.
gnomAD v4.1: 1 of 1,614,154 alleles (0.000062%); highest among the groups gnomAD compares: African/African-American, 0.0013%; no homozygotes.

Submissions (2):

PreventionGenetics, part of Exact Sciences
Classification: Uncertain significance for PDSS2-related condition. Last evaluated: 2025-07-02. Review status: criteria provided, single submitter. Criteria: ACMG Guidelines, 2015. Collection method: clinical testing. Allele origin: germline.
Comment: The PDSS2 c.835A>G variant is predicted to result in the amino acid substitution p.Met279Val. To our knowledge, this variant has not been reported in the literature or in a large population database (gnomAD), indicating this variant is rare. At this time, the clinical significance of this variant is uncertain due to the absence of conclusive functional and genetic evidence.

Labcorp Genetics (formerly Invitae), Labcorp
Classification: Uncertain significance. Last evaluated: 2024-12-04. Review status: criteria provided, single submitter. Criteria: Invitae Variant Classification Sherloc (09022015). Collection method: clinical testing. Allele origin: germline.
Comment: This sequence change replaces methionine, which is neutral and non-polar, with valine, which is neutral and non-polar, at codon 279 of the PDSS2 protein (p.Met279Val). This variant is not present in population databases (gnomAD no frequency). This variant has not been reported in the literature in individuals affected with PDSS2-related conditions. ClinVar contains an entry for this variant (Variation ID: 2417911). Invitae Evidence Modeling of protein sequence and biophysical properties (such as structural, functional, and spatial information, amino acid conservation, physicochemical variation, residue mobility, and thermodynamic stability) indicates that this missense variant is not expected to disrupt PDSS2 protein function with a negative predictive value of 80%. In summary, the available evidence is currently insufficient to determine the role of this variant in disease. Therefore, it has been classified as a Variant of Uncertain Significance.

NM_020381.4(PDSS2):c.835A>G (p.Met279Val)

Gene: PDSS2 (decaprenyl diphosphate synthase subunit 2; minus strand). Cytogenetic location: 6q21.
Variant type: single nucleotide variant.
Coding change: c.835A>G on transcript NM_020381.4 (MANE Select); coding-DNA position 835, A replaced by G.
Protein change: p.Met279Val; replaces methionine 279 with valine.
Molecular consequence: missense variant.
Genome position (GRCh38, 1-based): chr6:107,212,150, T>C on the plus strand (A>G on the coding strand, the complement: PDSS2 is on the minus strand). VCF-style: chr6-107212150-T-C. GRCh37 (hg19) VCF-style: chr6-107533354-T-C.
Other names: c.835A>G (NM_020381.3); short protein forms M279V.
Identifiers: ClinVar variation 2417911 (VCV002417911.6), dbSNP rs2483284540, ClinGen allele CA365322820.
Genomic context (GRCh38, chr6:107,212,150, plus strand): 5'-TAAAGGGTGTGCAAAGTACCTTATGACTCATGGCCATGTGCTTCCCATACTGAAATGCCA[T>C]ATTCTGAACCTCAGCATCATGCTTTGCTAATTCCATTGCAGCTTGGCAGCTCTTTGCTAG-3'
Protein context (NP_065114.3, residues 269-289): LAKHDAEVQN[Met279Val]AFQYGKHMAM